The following is an entry in ClinVar:

ClinVar aggregate classification (germline): Conflicting classifications of pathogenicity. Review status: criteria provided, conflicting classifications (1 of 4 stars). 12 submissions from 12 submitters: Uncertain significance (2); Benign (1); Likely benign (8). 1 of the submissions does not count toward it. Last evaluated 2026-02-02.

Conditions:
Familial adenomatous polyposis 1 (FAP1). Also called: FAMILIAL ADENOMATOUS POLYPOSIS 1, ATTENUATED; POLYPOSIS, ADENOMATOUS INTESTINAL. Identifiers: MedGen C2713442, MONDO:0021056, OMIM 175100. Disease mechanism: loss of function.
APC-related disorder. Also called: APC-related condition.
Classic or attenuated familial adenomatous polyposis. Identifiers: MedGen CN372698, MONDO:0021057.
Hereditary cancer-predisposing syndrome. Also called: Tumor predisposition; Hereditary Cancer Syndrome; Hereditary neoplastic syndrome; Neoplastic Syndromes, Hereditary. Identifiers: Orphanet 140162, MedGen C0027672, MeSH D009386, MONDO:0015356.

Allele frequency attached by ClinVar (database versions not stated): TOPMed below 0.00001; ExAC 0.00001; gnomAD exomes 0.00001.
gnomAD v4.1: 16 of 1,613,974 alleles (0.00099%); highest among the groups gnomAD compares: Non-Finnish European, 0.0014%; no homozygotes.

Submissions (12):

Labcorp Genetics (formerly Invitae), Labcorp
Classification: Likely benign for Familial adenomatous polyposis 1. Last evaluated: 2026-02-02. Review status: criteria provided, single submitter. Criteria: Invitae Variant Classification Sherloc (09022015). Collection method: clinical testing. Allele origin: germline.

Quest Diagnostics Nichols Institute San Juan Capistrano
Classification: Likely benign. Last evaluated: 2025-06-30. Review status: criteria provided, single submitter. Criteria: Quest Diagnostics criteria. Collection method: clinical testing. Allele origin: unknown.

All of Us Research Program, National Institutes of Health
Classification: Likely benign for Classic or attenuated familial adenomatous polyposis. Last evaluated: 2024-10-02. Review status: criteria provided, single submitter. Criteria: ACMG Guidelines, 2015. Collection method: clinical testing. Allele origin: germline. Inheritance: Autosomal dominant inheritance. Observed: 7 variant alleles, 7 heterozygotes.
Comment: This study involves interpretation of variants in research participants for the purpose of population health screening. Participant phenotype was not available at the time of variant classification. Additional details can be found in publication PMID: 35346344, PMCID: PMC8962531

Myriad Genetics, Inc.
Classification: Benign for Familial adenomatous polyposis 1. Last evaluated: 2024-03-25. Review status: criteria provided, single submitter. Criteria: Myriad Autosomal Dominant, Autosomal Recessive and X-Linked Classification Criteria (2023). Collection method: clinical testing. Allele origin: unknown.
Comment: This variant is considered benign. This variant is a silent/synonymous amino acid change and it is not expected to impact splicing.

Department of Pathology and Laboratory Medicine, Sinai Health System
Classification: Uncertain significance for classic or attenuated familial adenomatous polyposis. Last evaluated: 2023-12-08. Review status: criteria provided, single submitter. Criteria: ACMG Guidelines, 2015. Collection method: clinical testing. Allele origin: germline. Affected: no.

Blueprint Genetics
Classification: Likely benign. Last evaluated: 2022-08-09. Review status: criteria provided, single submitter. Criteria: ACMG Guidelines, 2015. Collection method: clinical testing. Allele origin: germline.

CeGaT Center for Human Genetics Tuebingen
Classification: Likely benign. Last evaluated: 2022-06-01. Review status: criteria provided, single submitter. Criteria: CeGaT Center For Human Genetics Tuebingen Variant Classification Criteria Version 2. Collection method: clinical testing. Allele origin: germline. Affected: yes. Observed: 1 variant allele.
Comment: APC: BP4, BP7

Sema4
Classification: Uncertain significance for Hereditary cancer-predisposing syndrome. Last evaluated: 2021-12-17. Review status: criteria provided, single submitter. Criteria: Sema4 Curation Guidelines. Collection method: curation. Allele origin: germline.
Comment: The APC c.4143A>C (p.P1381=) variant has not been reported in the literature to our knowledge. It was observed in 3/282302 chromosomes of the Non-Finnish European (NFE) subpopulation in the large and broad cohorts of the Genome Aggregation Database (PMID: 32461654). This variant has been reported in ClinVar (Variation ID 377492). In silico tools that predict the effect of sequence changes on splicing suggest that this variant may impact splicing, though these predictions have not been confirmed by functional studies. There is no indication that this variant causes disease, but the evidence is insufficient currently to prove that conclusively. Thus, the clinical significance of this variant is currently uncertain.

GeneDx
Classification: Likely benign. Last evaluated: 2019-01-23. Review status: criteria provided, single submitter. Criteria: GeneDx Variant Classification Process June 2021. Collection method: clinical testing. Allele origin: germline. Affected: yes.
Comment: This variant is associated with the following publications: (PMID: 19029688)

Color Diagnostics, LLC DBA Color Health
Classification: Likely benign for Hereditary cancer-predisposing syndrome. Last evaluated: 2016-07-25. Review status: criteria provided, single submitter. Criteria: ACMG Guidelines, 2015. Collection method: clinical testing. Allele origin: germline.

Ambry Genetics
Classification: Likely benign for Hereditary cancer-predisposing syndrome. Last evaluated: 2015-12-03. Review status: criteria provided, single submitter. Criteria: Ambry Variant Classification Scheme 2023. Collection method: clinical testing. Allele origin: germline.

PreventionGenetics, part of Exact Sciences
Classification: Likely benign for APC-related condition. Last evaluated: 2021-01-22. Review status: no assertion criteria provided. Collection method: clinical testing. Allele origin: germline. Not counted in ClinVar's aggregate classification.
Comment: This variant is classified as likely benign based on ACMG/AMP sequence variant interpretation guidelines (Richards et al. 2015 PMID: 25741868, with internal and published modifications).

NM_000038.6(APC):c.4143A>C (p.Pro1381=)

Gene: APC (APC regulator of Wnt signaling pathway; plus strand). Cytogenetic location: 5q22.2.
Variant type: single nucleotide variant.
Coding change: c.4143A>C on transcript NM_000038.6 (MANE Select); coding-DNA position 4143, A replaced by C.
Protein change: p.Pro1381=; no amino-acid change (proline 1381 retained).
Molecular consequence: synonymous variant.
Genome position (GRCh38, 1-based): chr5:112,839,737, A>C. VCF-style: chr5-112839737-A-C. GRCh37 (hg19) VCF-style: chr5-112175434-A-C.
Other names: c.4143A>C, p.Pro1381= (NM_001127510.3, NM_001354895.2); c.4089A>C, p.Pro1363= (NM_001127511.3); c.4197A>C, p.Pro1399= (NM_001354896.2); c.4173A>C, p.Pro1391= (NM_001354897.2); c.4068A>C, p.Pro1356= (NM_001354898.2); c.4059A>C, p.Pro1353= (NM_001354899.2); c.4020A>C, p.Pro1340= (NM_001354900.2); c.3966A>C, p.Pro1322= (NM_001354901.2); and 5 more.
Identifiers: ClinVar variation 377492 (VCV000377492.50), dbSNP rs778565823, ClinGen allele CA037761.